The following is an entry in ClinVar:

NM_201384.3(PLEC):c.11344C>T (p.Leu3782Phe)

Gene: PLEC (plectin; minus strand). Cytogenetic location: 8q24.3.
Variant type: single nucleotide variant.
Coding change: c.11344C>T on transcript NM_201384.3 (MANE Select); coding-DNA position 11344, C replaced by T.
Protein change: p.Leu3782Phe; replaces leucine 3782 with phenylalanine.
Molecular consequence: missense variant.
Genome position (GRCh38, 1-based): chr8:143,918,477, G>A on the plus strand (C>T on the coding strand, the complement: PLEC is on the minus strand). VCF-style: chr8-143918477-G-A. GRCh37 (hg19) VCF-style: chr8-144992645-G-A.
Other names: c.11425C>T, p.Leu3809Phe (NM_000445.5); c.11302C>T, p.Leu3768Phe (NM_201378.4); c.11278C>T, p.Leu3760Phe (NM_201379.3); c.11755C>T, p.Leu3919Phe (NM_201380.4); c.11248C>T, p.Leu3750Phe (NM_201381.3); c.11344C>T, p.Leu3782Phe (NM_201382.4); c.11356C>T, p.Leu3786Phe (NM_201383.3); short protein forms L3768F, L3786F, L3760F, L3782F, L3750F, L3809F, L3919F.
Identifiers: ClinVar variation 1466809 (VCV001466809.6), dbSNP rs1554675399, ClinGen allele CA372491273.

ClinVar aggregate classification (germline): Uncertain significance (1 of 4 stars; one submission).

Conditions:
Epidermolysis bullosa simplex 5B, with muscular dystrophy (EBS5B). Also called: EPIDERMOLYSIS BULLOSA SIMPLEX AND LIMB-GIRDLE MUSCULAR DYSTROPHY; Epidermolysis bullosa simplex with muscular dystrophy. Identifiers: Orphanet 257, MedGen C2931072, MONDO:0009181, OMIM 226670.
Epidermolysis bullosa simplex, Ogna type (EBS5A). Also called: Pidermolysis bullosa simplex 5A, Ogna type; EPIDERMOLYSIS BULLOSA SIMPLEX 5A, OGNA TYPE. Identifiers: Orphanet 79401, MedGen C0432317, MONDO:0007555, OMIM 131950.
Epidermolysis bullosa simplex with nail dystrophy (EBS5D). Identifiers: MedGen C4225309, MONDO:0014661, OMIM 616487.
Autosomal recessive limb-girdle muscular dystrophy type 2Q (LGMDR17). Also called: MUSCULAR DYSTROPHY, LIMB-GIRDLE, AUTOSOMAL RECESSIVE 17. Identifiers: Orphanet 254361, MedGen C3150989, MONDO:0013390, OMIM 613723.
Epidermolysis bullosa simplex 5C, with pyloric atresia (EBS5C). Also called: PLEC1-Related Epidermolysis Bullosa with Pyloric Atresia; PLEC-Related Epidermolysis Bullosa with Pyloric Atresia; Epidermolysis bullosa simplex with pyloric atresia. Identifiers: Orphanet 158684, MedGen C2677349, MONDO:0012807, OMIM 612138.

gnomAD v4.1: 3 of 1,596,116 alleles (0.00019%); highest among the groups gnomAD compares: East Asian, 0.0023%; no homozygotes.

Submission:

Labcorp Genetics (formerly Invitae), Labcorp
Classification: Uncertain significance for Autosomal recessive limb-girdle muscular dystrophy type 2Q; Epidermolysis bullosa simplex, Ogna type; Epidermolysis bullosa simplex with nail dystrophy; Epidermolysis bullosa simplex 5C, with pyloric atresia; Epidermolysis bullosa simplex 5B, with muscular dystrophy. Last evaluated: 2021-08-04. Review status: criteria provided, single submitter. Criteria: Invitae Variant Classification Sherloc (09022015). Collection method: clinical testing. Allele origin: germline.
Comment: This sequence change replaces leucine with phenylalanine at codon 3809 of the PLEC protein (p.Leu3809Phe). The leucine residue is highly conserved and there is a small physicochemical difference between leucine and phenylalanine. This variant is not present in population databases (ExAC no frequency). This variant has not been reported in the literature in individuals affected with PLEC-related conditions. Algorithms developed to predict the effect of missense changes on protein structure and function are either unavailable or do not agree on the potential impact of this missense change (SIFT: "Deleterious"; PolyPhen-2: "Probably Damaging"; Align-GVGD: "Class C15"). In summary, the available evidence is currently insufficient to determine the role of this variant in disease. Therefore, it has been classified as a Variant of Uncertain Significance.